The following is an entry in ClinVar:

NM_020451.2(SELENON):c.-55_183del

Gene: SELENON (selenoprotein N; plus strand). Cytogenetic location: 1p36.11.
Variant type: Deletion.
Coding change: c.-55_183del on transcript NM_020451.2; 55 bases upstream of the start codon through coding-DNA position 183, 238 bases deleted.
Genome position (GRCh38, 1-based): chr1:25,800,176-25,800,413, 238 bases deleted. GRCh37 (hg19): chr1:26,126,667-26,126,904.
Identifiers: ClinVar variation 659413 (VCV000659413.4), dbSNP rs1572226620, ClinGen allele CA915941178.

ClinVar aggregate classification (germline): Pathogenic (1 of 4 stars; one submission).

Conditions:
Eichsfeld type congenital muscular dystrophy (CMYO3). Also called: SELENON-related myopathy; Congenital myopathy 3 with rigid spine; Rigid spine muscular dystrophy 1; MYOPATHY, SEPN1-RELATED. Identifiers: MedGen C0410180, MONDO:0100100, OMIM 602771.

Submission:

Labcorp Genetics (formerly Invitae), Labcorp
Classification: Pathogenic for Eichsfeld type congenital muscular dystrophy. Last evaluated: 2019-03-07. Review status: criteria provided, single submitter. Criteria: Invitae Variant Classification Sherloc (09022015). Collection method: clinical testing. Allele origin: germline.
Comment: This variant is a gross deletion of the genomic region encompassing part of exon 1 (c.-64_36del) of the SELENON gene. This is expected to result in an absent or disrupted protein product. This variant has not been reported in the literature in individuals with SELENON-related disease. Loss-of-function variants in SELENON are known to be pathogenic (PMID: 21131290, 21670436). For these reasons, this variant has been classified as Pathogenic.